The following is an entry in ClinVar:

ClinVar aggregate classification (germline): Uncertain significance (1 of 4 stars; one submission).

Allele frequency attached by ClinVar (database versions not stated): gnomAD exomes below 0.00001; ExAC 0.00001.
gnomAD v4.1: 2 of 1,606,238 alleles (0.00012%); highest among the groups gnomAD compares: South Asian, 0.0011%; no homozygotes.

Submission:

Labcorp Genetics (formerly Invitae), Labcorp
Classification: Uncertain significance. Last evaluated: 2022-04-06. Review status: criteria provided, single submitter. Criteria: Invitae Variant Classification Sherloc (09022015). Collection method: clinical testing. Allele origin: germline.
Comment: In summary, the available evidence is currently insufficient to determine the role of this variant in disease. Therefore, it has been classified as a Variant of Uncertain Significance. Algorithms developed to predict the effect of missense changes on protein structure and function output the following: SIFT: "Tolerated"; PolyPhen-2: "Not Available"; Align-GVGD: "Class C0". The serine amino acid residue is found in multiple mammalian species, which suggests that this missense change does not adversely affect protein function. This sequence change replaces glycine, which is neutral and non-polar, with serine, which is neutral and polar, at codon 503 of the POLD2 protein (p.Gly503Ser). This variant is present in population databases (rs770955443, gnomAD 0.0009%). This variant has not been reported in the literature in individuals affected with POLD2-related conditions.

NM_006230.4(POLD2):c.1402G>A (p.Gly468Ser)

Gene: POLD2 (DNA polymerase delta 2, accessory subunit; minus strand). Cytogenetic location: 7p13.
Variant type: single nucleotide variant.
Coding change: c.1402G>A on transcript NM_006230.4 (MANE Select); coding-DNA position 1402, G replaced by A.
Protein change: p.Gly468Ser; replaces glycine 468 with serine.
Molecular consequence: missense variant.
Genome position (GRCh38, 1-based): chr7:44,114,793, C>T on the plus strand (G>A on the coding strand, the complement: POLD2 is on the minus strand). VCF-style: chr7-44114793-C-T. GRCh37 (hg19) VCF-style: chr7-44154392-C-T.
Other names: c.1402G>A, p.Gly468Ser (NM_001127218.3, NM_001256879.2); short protein forms G468S.
Identifiers: ClinVar variation 2122067 (VCV002122067.4), dbSNP rs770955443, ClinGen allele CA4238527.